The following is an entry in ClinVar:

NM_000216.4(ANOS1):c.957G>A (p.Glu319=)

Gene: ANOS1 (anosmin 1; minus strand). Cytogenetic location: Xp22.31.
Variant type: single nucleotide variant.
Coding change: c.957G>A on transcript NM_000216.4 (MANE Select); coding-DNA position 957, G replaced by A.
Protein change: p.Glu319=; no amino-acid change (glutamic acid 319 retained).
Molecular consequence: synonymous variant.
Genome position (GRCh38, 1-based): chrX:8,570,604, C>T on the plus strand (G>A on the coding strand, the complement: ANOS1 is on the minus strand). VCF-style: chrX-8570604-C-T. GRCh37 (hg19) VCF-style: chrX-8538645-C-T.
Identifiers: ClinVar variation 516604 (VCV000516604.13), dbSNP rs190631963, ClinGen allele CA10343716.

ClinVar aggregate classification (germline): Benign. Review status: criteria provided, multiple submitters, no conflicts (2 of 4 stars). 3 submissions from 3 submitters: Benign (3). Last evaluated 2026-01-25.

Conditions:
Hypogonadotropic hypogonadism 1 with or without anosmia (HH1). Also called: KAL1-Related GnRH Deficiency (Kallmann Syndrome 1; Kallmann Syndrome, X-Linked); Hypogonadotropic hypogonadism 1 with or without anosmia (Kallmann syndrome 1); Kallmann syndrome, type 1, X-linked; HYPOGONADOTROPIC HYPOGONADISM 1 WITH ANOSMIA; DYSPLASIA OLFACTOGENITALIS OF DE MORSIER; HYPOGONADOTROPIC HYPOGONADISM AND ANOSMIA. Identifiers: Orphanet 478, MedGen C1563719, MONDO:0010635, OMIM 308700. Disease mechanism: loss of function.

Allele frequency attached by ClinVar (database versions not stated): gnomAD exomes 0.00095 and 0.00461; 1000 Genomes Project 30x 0.00208; ExAC 0.00333; TOPMed 0.00374; 1000 Genomes Project 0.00159; gnomAD 0.00189.
gnomAD v4.1: 1,245 of 1,209,316 alleles (0.1%); highest among the groups gnomAD compares: Admixed American, 2.6%; 15 homozygotes.

Submissions (3):

Labcorp Genetics (formerly Invitae), Labcorp
Classification: Benign for Hypogonadotropic hypogonadism 1 with or without anosmia. Last evaluated: 2026-01-25. Review status: criteria provided, single submitter. Criteria: Invitae Variant Classification Sherloc (09022015). Collection method: clinical testing. Allele origin: germline.

GeneDx
Classification: Benign. Last evaluated: 2017-06-29. Review status: criteria provided, single submitter. Criteria: GeneDx Variant Classification (06012015). Collection method: clinical testing. Allele origin: germline. Affected: yes.
Comment: This variant is considered likely benign or benign based on one or more of the following criteria: it is a conservative change, it occurs at a poorly conserved position in the protein, it is predicted to be benign by multiple in silico algorithms, and/or has population frequency not consistent with disease.

Breakthrough Genomics
Classification: Benign. Review status: criteria provided, single submitter. Criteria: ACMG Guidelines, 2015. Collection method: not provided. Allele origin: germline. Inheritance: X-linked inheritance. Affected: yes.